The following is an entry in ClinVar:

NM_182916.3(TRNT1):c.514G>A (p.Gly172Ser)

Gene: TRNT1 (tRNA nucleotidyl transferase 1; plus strand). Cytogenetic location: 3p26.2.
Variant type: single nucleotide variant.
Coding change: c.514G>A on transcript NM_182916.3 (MANE Select); coding-DNA position 514, G replaced by A.
Protein change: p.Gly172Ser; replaces glycine 172 with serine.
Molecular consequence: missense variant. On other transcripts: non-coding transcript variant (8).
Genome position (GRCh38, 1-based): chr3:3,144,616, G>A. VCF-style: chr3-3144616-G-A. GRCh37 (hg19) VCF-style: chr3-3186300-G-A.
Other names: c.514G>A, p.Gly172Ser (LRG_1314t1, NM_001302946.2, NM_001367321.1 and 2 more transcripts); short protein forms G172S.
Identifiers: ClinVar variation 665083 (VCV000665083.5), dbSNP rs1459323924, ClinGen allele CA351445111.

ClinVar aggregate classification (germline): Uncertain significance (1 of 4 stars; one submission).

Conditions:
Congenital sideroblastic anemia-B-cell immunodeficiency-periodic fever-developmental delay syndrome. Also called: Sideroblastic anemia with B-cell immunodeficiency, periodic fevers, and developmental delay. Identifiers: Orphanet 369861, MedGen C4015172, MONDO:0014487, OMIM 616084.

Allele frequency attached by ClinVar (database versions not stated): gnomAD exomes 0.00001; gnomAD 0.00003; TOPMed below 0.00001.
gnomAD v4.1: 14 of 1,585,546 alleles (0.00088%); highest among the groups gnomAD compares: African/African-American, 0.0014%; no homozygotes.

Submission:

Labcorp Genetics (formerly Invitae), Labcorp
Classification: Uncertain significance for Congenital sideroblastic anemia-B-cell immunodeficiency-periodic fever-developmental delay syndrome. Last evaluated: 2018-08-14. Review status: criteria provided, single submitter. Criteria: Invitae Variant Classification Sherloc (09022015). Collection method: clinical testing. Allele origin: germline.
Comment: This variant is not present in population databases (ExAC no frequency). This variant has not been reported in the literature in individuals with TRNT1-related disease. Algorithms developed to predict the effect of missense changes on protein structure and function (SIFT, PolyPhen-2, Align-GVGD) all suggest that this variant is likely to be disruptive, but these predictions have not been confirmed by published functional studies and their clinical significance is uncertain. Algorithms developed to predict the effect of sequence changes on RNA splicing suggest that this variant may create or strengthen a splice site, but this prediction has not been confirmed by published transcriptional studies. In summary, the available evidence is currently insufficient to determine the role of this variant in disease. Therefore, it has been classified as a Variant of Uncertain Significance. This sequence change replaces glycine with serine at codon 172 of the TRNT1 protein (p.Gly172Ser). The glycine residue is highly conserved and there is a small physicochemical difference between glycine and serine.